The following is an entry in ClinVar:

GRCh38/hg38 2q21.1(chr2:130720159-131196705)x1

Genes: AMER3 (APC membrane recruitment protein 3; plus strand), ARHGEF4 (Rho guanine nucleotide exchange factor 4; plus strand), ARHGEF4-AS1 (ARHGEF4 antisense RNA 1; minus strand), FAM168B (family with sequence similarity 168 member B; minus strand), GPR148 (G protein-coupled receptor 148; plus strand) and 9 more. Cytogenetic location: 2q21.1.
Variant type: copy number loss.
Change: copy number 1 (one copy instead of two) of chr2:130,720,159-131,196,705 (476.5 kb, GRCh38 coordinates, 1-based), cytogenetic band 2q21.1.
Identifiers: ClinVar variation 149080 (VCV000149080.2).

ClinVar aggregate classification (germline): conflicting data from submitters (0 of 4 stars; one submission).

Submission:

ISCA site 1
Classification: conflicting data from submitters. Last evaluated: 2012-09-26. Review status: no assertion criteria provided. Collection method: clinical testing. Allele origin: unknown. Affected: yes. Observed: 2 variant alleles.
Comment: Likely pathogenic(1), Uncertain significance(1)

Copy number variation identified through the course of routine clinical cytogenomic testing in postnatal populations, with clinical assertions as classified by the original submitter. For data from the original published study, Kaminsky, et al. 2011 (PubMed 21844811), please see nstd101.